The following is an entry in ClinVar:

ClinVar aggregate classification (germline): Uncertain significance. Review status: criteria provided, multiple submitters, no conflicts (2 of 4 stars). 2 submissions from 2 submitters: Uncertain significance (2). Last evaluated 2023-12-12.

Conditions:
Inborn genetic diseases. Identifiers: MedGen C0950123, MeSH D030342.

Allele frequency attached by ClinVar (database versions not stated): gnomAD exomes 0.00002; TOPMed 0.00002; gnomAD 0.00006.
gnomAD v4.1: 24 of 1,085,306 alleles (0.0022%); highest among the groups gnomAD compares: Middle Eastern, 0.024%; no homozygotes.

Submissions (2):

Ambry Genetics
Classification: Uncertain significance for Inborn genetic diseases. Last evaluated: 2023-12-12. Review status: criteria provided, single submitter. Criteria: Ambry Variant Classification Scheme 2023. Collection method: clinical testing. Allele origin: germline.

Labcorp Genetics (formerly Invitae), Labcorp
Classification: Uncertain significance. Last evaluated: 2022-09-25. Review status: criteria provided, single submitter. Criteria: Invitae Variant Classification Sherloc (09022015). Collection method: clinical testing. Allele origin: germline.
Comment: This sequence change replaces isoleucine, which is neutral and non-polar, with threonine, which is neutral and polar, at codon 736 of the PROM1 protein (p.Ile736Thr). In summary, the available evidence is currently insufficient to determine the role of this variant in disease. Therefore, it has been classified as a Variant of Uncertain Significance. Advanced modeling of protein sequence and biophysical properties (such as structural, functional, and spatial information, amino acid conservation, physicochemical variation, residue mobility, and thermodynamic stability) performed at Invitae indicates that this missense variant is not expected to disrupt PROM1 protein function. This variant has not been reported in the literature in individuals affected with PROM1-related conditions. The frequency data for this variant in the population databases is considered unreliable, as metrics indicate poor data quality at this position in the gnomAD database.

NM_006017.3(PROM1):c.2207T>C (p.Ile736Thr)

Gene: PROM1 (prominin 1; minus strand). Cytogenetic location: 4p15.32.
Variant type: single nucleotide variant.
Coding change: c.2207T>C on transcript NM_006017.3 (MANE Select); coding-DNA position 2207, T replaced by C.
Protein change: p.Ile736Thr; replaces isoleucine 736 with threonine.
Molecular consequence: missense variant.
Genome position (GRCh38, 1-based): chr4:15,985,961, A>G on the plus strand (T>C on the coding strand, the complement: PROM1 is on the minus strand). VCF-style: chr4-15985961-A-G. GRCh37 (hg19) VCF-style: chr4-15987584-A-G.
Other names: c.2180T>C, p.Ile727Thr (NM_001145847.2, NM_001145848.2, NM_001145851.2 and 4 more transcripts); c.2207T>C, p.Ile736Thr (NM_001145849.2, NM_001145850.2); c.2207T>C (NM_006017.2); short protein forms I736T, I727T.
Identifiers: ClinVar variation 1907321 (VCV001907321.6), dbSNP rs1382745935, ClinGen allele CA356428200.